The following is an entry in ClinVar:

NM_002485.5(NBN):c.1124G>C (p.Trp375Ser)

Gene: NBN (nibrin; minus strand). Cytogenetic location: 8q21.3.
Variant type: single nucleotide variant.
Coding change: c.1124G>C on transcript NM_002485.5 (MANE Select); coding-DNA position 1124, G replaced by C.
Protein change: p.Trp375Ser; replaces tryptophan 375 with serine.
Molecular consequence: missense variant.
Genome position (GRCh38, 1-based): chr8:89,958,725, C>G on the plus strand (G>C on the coding strand, the complement: NBN is on the minus strand). VCF-style: chr8-89958725-C-G. GRCh37 (hg19) VCF-style: chr8-90970953-C-G.
Other names: c.878G>C, p.Trp293Ser (NM_001024688.3); short protein forms W375S, W293S.
Identifiers: ClinVar variation 577387 (VCV000577387.6), dbSNP rs1394437421, ClinGen allele CA371656557.

ClinVar aggregate classification (germline): Uncertain significance (1 of 4 stars; one submission).

Conditions:
Microcephaly, normal intelligence and immunodeficiency (NBS). Also called: BERLIN BREAKAGE SYNDROME; SEEMANOVA SYNDROME II; Ataxia telangiectasia variant V1; IMMUNODEFICIENCY, MICROCEPHALY, AND CHROMOSOMAL INSTABILITY; Immunodeficiency, microcephaly with normal intelligence; Nijmegen breakage syndrome. Identifiers: Orphanet 647, MedGen C0398791, MONDO:0009623, OMIM 251260.

Submission:

Labcorp Genetics (formerly Invitae), Labcorp
Classification: Uncertain significance for Microcephaly, normal intelligence and immunodeficiency. Last evaluated: 2021-09-01. Review status: criteria provided, single submitter. Criteria: Invitae Variant Classification Sherloc (09022015). Collection method: clinical testing. Allele origin: germline.
Comment: This sequence change replaces tryptophan with serine at codon 375 of the NBN protein (p.Trp375Ser). The tryptophan residue is weakly conserved and there is a large physicochemical difference between tryptophan and serine. This variant also falls at the last nucleotide of exon 9, which is part of the consensus splice site for this exon. This variant is not present in population databases (ExAC no frequency). This variant has not been reported in the literature in individuals affected with NBN-related conditions. Algorithms developed to predict the effect of missense changes on protein structure and function (SIFT, PolyPhen-2, Align-GVGD) all suggest that this variant is likely to be tolerated. Variants that disrupt the consensus splice site are a relatively common cause of aberrant splicing (PMID: 17576681, 9536098). Algorithms developed to predict the effect of sequence changes on RNA splicing suggest that this variant may disrupt the consensus splice site. In summary, the available evidence is currently insufficient to determine the role of this variant in disease. Therefore, it has been classified as a Variant of Uncertain Significance.

Literature cited by the submitters: PubMed 17576681; PubMed 9536098.